The following is an entry in ClinVar:

NM_002181.4(IHH):c.104G>A (p.Gly35Asp)

Gene: IHH (Indian hedgehog signaling molecule; minus strand). Cytogenetic location: 2q35.
Variant type: single nucleotide variant.
Coding change: c.104G>A on transcript NM_002181.4 (MANE Select); coding-DNA position 104, G replaced by A.
Protein change: p.Gly35Asp; replaces glycine 35 with aspartic acid.
Molecular consequence: missense variant.
Genome position (GRCh38, 1-based): chr2:219,060,364, C>T on the plus strand (G>A on the coding strand, the complement: IHH is on the minus strand). VCF-style: chr2-219060364-C-T. GRCh37 (hg19) VCF-style: chr2-219925086-C-T.
Other names: short protein forms G35D.
Identifiers: ClinVar variation 1997818 (VCV001997818.4), dbSNP rs774600015, ClinGen allele CA2116773.

ClinVar aggregate classification (germline): Uncertain significance (1 of 4 stars; one submission).

Allele frequency attached by ClinVar (database versions not stated): gnomAD exomes 0.00001; ExAC 0.00004.

Submission:

Labcorp Genetics (formerly Invitae), Labcorp
Classification: Uncertain significance. Last evaluated: 2022-09-27. Review status: criteria provided, single submitter. Criteria: Invitae Variant Classification Sherloc (09022015). Collection method: clinical testing. Allele origin: germline.
Comment: This variant is present in population databases (rs774600015, gnomAD 0.01%). In summary, the available evidence is currently insufficient to determine the role of this variant in disease. Therefore, it has been classified as a Variant of Uncertain Significance. Advanced modeling of protein sequence and biophysical properties (such as structural, functional, and spatial information, amino acid conservation, physicochemical variation, residue mobility, and thermodynamic stability) performed at Invitae indicates that this missense variant is expected to disrupt IHH protein function. This variant has not been reported in the literature in individuals affected with IHH-related conditions. This sequence change replaces glycine, which is neutral and non-polar, with aspartic acid, which is acidic and polar, at codon 35 of the IHH protein (p.Gly35Asp).